The following is an entry in ClinVar:

ClinVar aggregate classification (germline): Likely benign. Review status: criteria provided, multiple submitters, no conflicts (2 of 4 stars). 2 submissions from 2 submitters: Likely benign (2). Last evaluated 2025-08-01.

Conditions:
Frasier syndrome. Identifiers: Orphanet 347, MedGen C0950122, MeSH D052159, MONDO:0007635, OMIM 136680.
Drash syndrome (DDS). Also called: NEPHROPATHY, WILMS TUMOR, AND GENITAL ANOMALIES; WILMS TUMOR AND PSEUDO- OR TRUE HERMAPHRODITISM. Identifiers: Orphanet 220, MedGen C0950121, MONDO:0008682, OMIM 194080.
Wilms tumor 1 (WT1). Also called: Wilms tumor, somatic. Identifiers: Orphanet 654, MedGen CN033288, MONDO:0008679, OMIM 194070.
11p partial monosomy syndrome (WAGR). Also called: CHROMOSOME 11p13 DELETION SYNDROME; WAGR syndrome; WAGR Spectrum Disorder; WAGR Complex. Identifiers: Orphanet 893, MedGen C0206115, MONDO:0008681, OMIM 194072.

Allele frequency attached by ClinVar (database versions not stated): TOPMed below 0.00001; ExAC 0.00001.
gnomAD v4.1: 1 of 1,612,490 alleles (0.000062%); highest among the groups gnomAD compares: South Asian, 0.0011%; no homozygotes.

Submissions (2):

CeGaT Center for Human Genetics Tuebingen
Classification: Likely benign. Last evaluated: 2025-08-01. Review status: criteria provided, single submitter. Criteria: CeGaT Center For Human Genetics Tuebingen Variant Classification Criteria Version 2. Collection method: clinical testing. Allele origin: germline. Affected: yes. Observed: 1 variant allele.
Comment: WT1: BP4, BP7

Labcorp Genetics (formerly Invitae), Labcorp
Classification: Likely benign for Wilms tumor 1; Drash syndrome; 11p partial monosomy syndrome; Frasier syndrome. Last evaluated: 2023-08-18. Review status: criteria provided, single submitter. Criteria: Invitae Variant Classification Sherloc (09022015). Collection method: clinical testing. Allele origin: germline.

NM_024426.6(WT1):c.484C>T (p.Leu162=)

Genes: WT1 (WT1 transcription factor; minus strand), LOC107982234 (WT1/WT1-AS bi-directional promoter region; plus strand). Cytogenetic location: 11p13.
Variant type: single nucleotide variant.
Coding change: c.484C>T on transcript NM_024426.6 (MANE Select); coding-DNA position 484, C replaced by T.
Protein change: p.Leu162=; no amino-acid change (leucine 162 retained).
Molecular consequence: synonymous variant. On other transcripts: non-coding transcript variant (2).
Genome position (GRCh38, 1-based): chr11:32,434,877, G>A on the plus strand (C>T on the coding strand, the complement: WT1 is on the minus strand). VCF-style: chr11-32434877-G-A. GRCh37 (hg19) VCF-style: chr11-32456423-G-A.
Other names: c.484C>T, p.Leu162= (NM_000378.6, NM_001407044.1, NM_001407045.1 and 6 more transcripts); c.469C>T, p.Leu157= (NM_024425.2).
Identifiers: ClinVar variation 2923728 (VCV002923728.11), dbSNP rs770403127, ClinGen allele CA064984.